The following is an entry in ClinVar:

ClinVar aggregate classification (germline): Uncertain significance. Review status: criteria provided, multiple submitters, no conflicts (2 of 4 stars). 2 submissions from 2 submitters: Uncertain significance (2). Last evaluated 2025-07-28.

Conditions:
Neurofibromatosis, type 1 (NF1). Also called: VON RECKLINGHAUSEN DISEASE; NEUROFIBROMATOSIS, TYPE I, SOMATIC; Neurofibromatosis, type I; Peripheral type neurofibromatosis. Identifiers: Orphanet 636, MedGen C0027831, MONDO:0018975, OMIM 162200. Disease mechanism: loss of function.
Cardiovascular phenotype. Identifiers: MedGen CN230736.
Hereditary cancer-predisposing syndrome. Also called: Neoplastic Syndromes, Hereditary; Tumor predisposition; Hereditary Cancer Syndrome; Hereditary neoplastic syndrome. Identifiers: Orphanet 140162, MedGen C0027672, MeSH D009386, MONDO:0015356.

Submissions (2):

Ambry Genetics
Classification: Uncertain significance for Cardiovascular phenotype; Hereditary cancer-predisposing syndrome. Last evaluated: 2025-07-28. Review status: criteria provided, single submitter. Criteria: Ambry Variant Classification Scheme 2023. Collection method: clinical testing. Allele origin: germline.
Comment: The p.H1805Y variant (also known as c.5413C>T), located in coding exon 37 of the NF1 gene, results from a C to T substitution at nucleotide position 5413. The histidine at codon 1805 is replaced by tyrosine, an amino acid with similar properties. This amino acid position is highly conserved in available vertebrate species. In addition, this alteration is predicted to be deleterious by in silico analysis. Since supporting evidence is limited at this time, the clinical significance of this alteration remains unclear.

Labcorp Genetics (formerly Invitae), Labcorp
Classification: Uncertain significance for Neurofibromatosis, type 1. Last evaluated: 2022-04-11. Review status: criteria provided, single submitter. Criteria: Invitae Variant Classification Sherloc (09022015). Collection method: clinical testing. Allele origin: germline.
Comment: This sequence change replaces histidine, which is basic and polar, with tyrosine, which is neutral and polar, at codon 1805 of the NF1 protein (p.His1805Tyr). This variant is not present in population databases (gnomAD no frequency). This variant has not been reported in the literature in individuals affected with NF1-related conditions. Advanced modeling of protein sequence and biophysical properties (such as structural, functional, and spatial information, amino acid conservation, physicochemical variation, residue mobility, and thermodynamic stability) performed at Invitae indicates that this missense variant is expected to disrupt NF1 protein function. In summary, the available evidence is currently insufficient to determine the role of this variant in disease. Therefore, it has been classified as a Variant of Uncertain Significance.

NM_001042492.3(NF1):c.5476C>T (p.His1826Tyr)

Gene: NF1 (neurofibromin 1; plus strand). Cytogenetic location: 17q11.2.
Variant type: single nucleotide variant.
Coding change: c.5476C>T on transcript NM_001042492.3 (MANE Select); coding-DNA position 5476, C replaced by T.
Protein change: p.His1826Tyr; replaces histidine 1826 with tyrosine.
Molecular consequence: missense variant.
Genome position (GRCh38, 1-based): chr17:31,327,706, C>T. VCF-style: chr17-31327706-C-T. GRCh37 (hg19) VCF-style: chr17-29654724-C-T.
Other names: c.5413C>T, p.His1805Tyr (NM_000267.4); short protein forms H1805Y, H1826Y.
Identifiers: ClinVar variation 1747386 (VCV001747386.8), dbSNP rs1135402871, ClinGen allele CA399009527.